The following is an entry in ClinVar:

ClinVar aggregate classification (germline): Uncertain significance (1 of 4 stars; one submission).

Conditions:
Infantile spasms. Also called: Infantile spasm. Identifiers: MedGen C3887898, HP:0012469.

gnomAD v4.1: 11 of 1,614,248 alleles (0.00068%); highest among the groups gnomAD compares: South Asian, 0.012%; no homozygotes.

Submission:

Labcorp Genetics (formerly Invitae), Labcorp
Classification: Uncertain significance for Infantile spasms. Last evaluated: 2022-02-10. Review status: criteria provided, single submitter. Criteria: Invitae Variant Classification Sherloc (09022015). Collection method: clinical testing. Allele origin: germline.
Comment: This sequence change replaces valine, which is neutral and non-polar, with leucine, which is neutral and non-polar, at codon 99 of the PIK3AP1 protein (p.Val99Leu). This variant is present in population databases (rs540868181, gnomAD 0.01%). This variant has not been reported in the literature in individuals affected with PIK3AP1-related conditions. Algorithms developed to predict the effect of missense changes on protein structure and function (SIFT, PolyPhen-2, Align-GVGD) all suggest that this variant is likely to be tolerated. In summary, the available evidence is currently insufficient to determine the role of this variant in disease. Therefore, it has been classified as a Variant of Uncertain Significance.

NM_152309.3(PIK3AP1):c.295G>C (p.Val99Leu)

Gene: PIK3AP1 (phosphoinositide-3-kinase adaptor protein 1; minus strand). Cytogenetic location: 10q24.1.
Variant type: single nucleotide variant.
Coding change: c.295G>C on transcript NM_152309.3 (MANE Select); coding-DNA position 295, G replaced by C.
Protein change: p.Val99Leu; replaces valine 99 with leucine.
Molecular consequence: missense variant.
Genome position (GRCh38, 1-based): chr10:96,709,702, C>G on the plus strand (G>C on the coding strand, the complement: PIK3AP1 is on the minus strand). VCF-style: chr10-96709702-C-G. GRCh37 (hg19) VCF-style: chr10-98469459-C-G.
Other names: short protein forms V99L.
Identifiers: ClinVar variation 2144649 (VCV002144649.1), dbSNP rs540868181, ClinGen allele CA5626574.